The following is an entry in ClinVar:

NM_001148.6(ANK2):c.5497C>G (p.Leu1833Val)

Genes: ANK2 (ankyrin 2; plus strand), LOC126807136 (MED14-independent group 3 enhancer GRCh37_chr4:114274931-114276130; plus strand). Cytogenetic location: 4q26.
Variant type: single nucleotide variant.
Coding change: c.5497C>G on transcript NM_001148.6 (MANE Select); coding-DNA position 5497, C replaced by G.
Protein change: p.Leu1833Val; replaces leucine 1833 with valine.
Molecular consequence: missense variant. On other transcripts: intron variant (68).
Genome position (GRCh38, 1-based): chr4:113,354,115, C>G. VCF-style: chr4-113354115-C-G. GRCh37 (hg19) VCF-style: chr4-114275271-C-G.
Other names: c.5263C>G, p.Leu1755Val (NM_001386142.1); c.1897C>G, p.Leu633Val (NM_001386166.1); c.5638C>G, p.Leu1880Val (NM_001386174.1); c.5614C>G, p.Leu1872Val (NM_001386175.1); c.4411+3866C>G (NM_001386186.2, NM_001386148.2); c.4213+3866C>G (NM_001354269.3); c.4291+3866C>G (NM_001386187.2); c.4252+3866C>G (NM_001386147.1); and 35 more; short protein forms L1833V, L1755V, L1872V, L1880V, L633V.
Identifiers: ClinVar variation 652097 (VCV000652097.7), dbSNP rs1194139877, ClinGen allele CA357919921.

ClinVar aggregate classification (germline): Uncertain significance. Review status: criteria provided, multiple submitters, no conflicts (2 of 4 stars). 2 submissions from 2 submitters: Uncertain significance (2). Last evaluated 2026-05-14.

Conditions:
Cardiovascular phenotype. Identifiers: MedGen CN230736.
Long QT syndrome (LQTS). Identifiers: MedGen C0023976, MeSH D008133, MONDO:0002442. Disease mechanism: loss of function. Inheritance: Various modes of inheritance.

Allele frequency attached by ClinVar (database versions not stated): gnomAD exomes below 0.00001.
gnomAD v4.1: 3 of 1,614,056 alleles (0.00019%); highest among the groups gnomAD compares: Admixed American, 0.0017%; no homozygotes.

Submissions (2):

Ambry Genetics
Classification: Uncertain significance for Cardiovascular phenotype. Last evaluated: 2026-05-14. Review status: criteria provided, single submitter. Criteria: Ambry Variant Classification Scheme 2023. Collection method: clinical testing. Allele origin: germline.
Comment: The p.L1833V variant (also known as c.5497C>G), located in coding exon 38 of the ANK2 gene, results from a C to G substitution at nucleotide position 5497. The leucine at codon 1833 is replaced by valine, an amino acid with highly similar properties. This amino acid position is conserved. In addition, this alteration is predicted to be tolerated by in silico analysis. Based on the available evidence, the clinical significance of this variant remains unclear.

Labcorp Genetics (formerly Invitae), Labcorp
Classification: Uncertain significance for Long QT syndrome. Last evaluated: 2024-11-03. Review status: criteria provided, single submitter. Criteria: Invitae Variant Classification Sherloc (09022015). Collection method: clinical testing. Allele origin: germline.
Comment: This sequence change replaces leucine, which is neutral and non-polar, with valine, which is neutral and non-polar, at codon 1833 of the ANK2 protein (p.Leu1833Val). This variant is present in population databases (no rsID available, gnomAD 0.003%). This variant has not been reported in the literature in individuals affected with ANK2-related conditions. ClinVar contains an entry for this variant (Variation ID: 652097). An algorithm developed to predict the effect of missense changes on protein structure and function outputs the following: PolyPhen-2: "Benign". The valine amino acid residue is found in multiple mammalian species, which suggests that this missense change does not adversely affect protein function. In summary, the available evidence is currently insufficient to determine the role of this variant in disease. Therefore, it has been classified as a Variant of Uncertain Significance.